The following is an entry in ClinVar:

NM_004972.4(JAK2):c.2695A>G (p.Ile899Val)

Genes: INSL6 (insulin like 6; minus strand), JAK2 (Janus kinase 2; plus strand). Cytogenetic location: 9p24.1.
Variant type: single nucleotide variant.
Coding change: c.2695A>G on transcript NM_004972.4 (MANE Select); coding-DNA position 2695, A replaced by G.
Protein change: p.Ile899Val; replaces isoleucine 899 with valine.
Molecular consequence: missense variant. On other transcripts: non-coding transcript variant (2).
Genome position (GRCh38, 1-based): chr9:5,089,797, A>G. VCF-style: chr9-5089797-A-G. GRCh37 (hg19) VCF-style: chr9-5089797-A-G.
Other names: c.2695A>G, p.Ile899Val (NM_001322194.2, NM_001322195.2, NM_001322196.2); c.1480A>G, p.Ile494Val (NM_001322198.2, NM_001322199.2); c.2248A>G, p.Ile750Val (NM_001322204.2); short protein forms I494V, I899V, I750V.
Identifiers: ClinVar variation 2364999 (VCV002364999.4), dbSNP rs769270697, ClinGen allele CA4972215.

ClinVar aggregate classification (germline): Uncertain significance. Review status: criteria provided, multiple submitters, no conflicts (2 of 4 stars). 3 submissions from 3 submitters: Uncertain significance (3). Last evaluated 2026-09-08.

Conditions:
JAK2-related disorder. Also called: JAK2-related condition.
Inborn genetic diseases. Identifiers: MedGen C0950123, MeSH D030342.

Allele frequency attached by ClinVar (database versions not stated): gnomAD exomes 0.00002; TOPMed 0.00002; ExAC 0.00004.
gnomAD v4.1: 13 of 1,598,974 alleles (0.00081%); highest among the groups gnomAD compares: Admixed American, 0.022%; no homozygotes.

Submissions (3):

PreventionGenetics, part of Exact Sciences
Classification: Uncertain significance for JAK2-related condition. Last evaluated: 2026-09-08. Review status: criteria provided, single submitter. Criteria: ACMG Guidelines, 2015. Collection method: clinical testing. Allele origin: germline.
Comment: The JAK2 c.2695A>G variant is predicted to result in the amino acid substitution p.Ile899Val. To our knowledge, this variant has not been reported in the literature. This variant is reported in 0.044% of alleles in individuals of Latino descent in gnomAD. At this time, the clinical significance of this variant is uncertain due to the absence of conclusive functional and genetic evidence.

Labcorp Genetics (formerly Invitae), Labcorp
Classification: Uncertain significance. Last evaluated: 2025-12-12. Review status: criteria provided, single submitter. Criteria: Invitae Variant Classification Sherloc (09022015). Collection method: clinical testing. Allele origin: germline.
Comment: This sequence change replaces isoleucine, which is neutral and non-polar, with valine, which is neutral and non-polar, at codon 899 of the JAK2 protein (p.Ile899Val). This variant is present in population databases (rs769270697, gnomAD 0.04%), and has an allele count higher than expected for a pathogenic variant. This variant has not been reported in the literature in individuals affected with JAK2-related conditions. ClinVar contains an entry for this variant (Variation ID: 2364999). Invitae Evidence Modeling of protein sequence and biophysical properties (such as structural, functional, and spatial information, amino acid conservation, physicochemical variation, residue mobility, and thermodynamic stability) indicates that this missense variant is not expected to disrupt JAK2 protein function with a negative predictive value of 80%. In summary, the available evidence is currently insufficient to determine the role of this variant in disease. Therefore, it has been classified as a Variant of Uncertain Significance.

Ambry Genetics
Classification: Uncertain significance for Inborn genetic diseases. Last evaluated: 2021-07-20. Review status: criteria provided, single submitter. Criteria: Ambry Variant Classification Scheme 2023. Collection method: clinical testing. Allele origin: germline.